The following is an entry in ClinVar:

ClinVar aggregate classification (germline): Likely benign (1 of 4 stars; one submission).

Allele frequency attached by ClinVar (database versions not stated): gnomAD 0.00001; ExAC 0.00003.
gnomAD v4.1: 30 of 1,614,090 alleles (0.0019%); highest among the groups gnomAD compares: South Asian, 0.026%; no homozygotes.

Submission:

CeGaT Center for Human Genetics Tuebingen
Classification: Likely benign. Last evaluated: 2024-06-01. Review status: criteria provided, single submitter. Criteria: CeGaT Center For Human Genetics Tuebingen Variant Classification Criteria Version 2. Collection method: clinical testing. Allele origin: germline. Affected: yes. Observed: 1 variant allele.
Comment: NARS2: BP4, BP7

NM_024678.6(NARS2):c.87C>T (p.Ser29=)

Gene: NARS2 (asparaginyl-tRNA synthetase 2, mitochondrial; minus strand). Cytogenetic location: 11q14.1.
Variant type: single nucleotide variant.
Coding change: c.87C>T on transcript NM_024678.6 (MANE Select); coding-DNA position 87, C replaced by T.
Protein change: p.Ser29=; no amino-acid change (serine 29 retained).
Molecular consequence: synonymous variant. On other transcripts: intron variant (1).
Genome position (GRCh38, 1-based): chr11:78,574,402, G>A on the plus strand (C>T on the coding strand, the complement: NARS2 is on the minus strand). VCF-style: chr11-78574402-G-A. GRCh37 (hg19) VCF-style: chr11-78285447-G-A.
Other names: c.87C>T, p.Ser29= (NM_001425299.1, NM_001425300.1, NM_001425301.1 and 8 more transcripts); c.-470C>T (NM_001425311.1); c.-541+427C>T (NM_001243251.2).
Identifiers: ClinVar variation 3251076 (VCV003251076.18), dbSNP rs761313550.